The following is an entry in ClinVar:

ClinVar aggregate classification (germline): Uncertain significance (1 of 4 stars; one submission).

Submission:

Labcorp Genetics (formerly Invitae), Labcorp
Classification: Uncertain significance. Last evaluated: 2025-01-15. Review status: criteria provided, single submitter. Criteria: Invitae Variant Classification Sherloc (09022015). Collection method: clinical testing. Allele origin: germline.
Comment: This sequence change replaces proline, which is neutral and non-polar, with serine, which is neutral and polar, at codon 488 of the DCHS1 protein (p.Pro488Ser). This variant is not present in population databases (gnomAD no frequency). This variant has not been reported in the literature in individuals affected with DCHS1-related conditions. ClinVar contains an entry for this variant (Variation ID: 1387042). Invitae Evidence Modeling of protein sequence and biophysical properties (such as structural, functional, and spatial information, amino acid conservation, physicochemical variation, residue mobility, and thermodynamic stability) has been performed for this missense variant. However, the output from this modeling did not meet the statistical confidence thresholds required to predict the impact of this variant on DCHS1 protein function. In summary, the available evidence is currently insufficient to determine the role of this variant in disease. Therefore, it has been classified as a Variant of Uncertain Significance.

NM_003737.4(DCHS1):c.1462C>T (p.Pro488Ser)

Gene: DCHS1 (dachsous cadherin-related 1; minus strand). Cytogenetic location: 11p15.4.
Variant type: single nucleotide variant.
Coding change: c.1462C>T on transcript NM_003737.4 (MANE Select); coding-DNA position 1462, C replaced by T.
Protein change: p.Pro488Ser; replaces proline 488 with serine.
Molecular consequence: missense variant.
Genome position (GRCh38, 1-based): chr11:6,640,152, G>A on the plus strand (C>T on the coding strand, the complement: DCHS1 is on the minus strand). VCF-style: chr11-6640152-G-A. GRCh37 (hg19) VCF-style: chr11-6661383-G-A.
Other names: short protein forms P488S.
Identifiers: ClinVar variation 1387042 (VCV001387042.6), dbSNP rs2134643782, ClinGen allele CA379431978.